The following is an entry in ClinVar:

ClinVar aggregate classification (germline): Uncertain significance (1 of 4 stars; one submission).

gnomAD v4.1: 3 of 1,614,154 alleles (0.00019%); highest among the groups gnomAD compares: Middle Eastern, 0.016%; no homozygotes.

Submission:

Labcorp Genetics (formerly Invitae), Labcorp
Classification: Uncertain significance. Last evaluated: 2024-02-25. Review status: criteria provided, single submitter. Criteria: Invitae Variant Classification Sherloc (09022015). Collection method: clinical testing. Allele origin: germline.
Comment: This sequence change replaces valine, which is neutral and non-polar, with glutamic acid, which is acidic and polar, at codon 140 of the CREB3L3 protein (p.Val140Glu). This variant is not present in population databases (gnomAD no frequency). This variant has not been reported in the literature in individuals affected with CREB3L3-related conditions. Advanced modeling of protein sequence and biophysical properties (such as structural, functional, and spatial information, amino acid conservation, physicochemical variation, residue mobility, and thermodynamic stability) performed at Invitae indicates that this missense variant is not expected to disrupt CREB3L3 protein function with a negative predictive value of 80%. In summary, the available evidence is currently insufficient to determine the role of this variant in disease. Therefore, it has been classified as a Variant of Uncertain Significance.

NM_032607.3(CREB3L3):c.419T>A (p.Val140Glu)

Gene: CREB3L3 (cAMP responsive element binding protein 3 like 3; plus strand). Cytogenetic location: 19p13.3.
Variant type: single nucleotide variant.
Coding change: c.419T>A on transcript NM_032607.3 (MANE Select); coding-DNA position 419, T replaced by A.
Protein change: p.Val140Glu; replaces valine 140 with glutamic acid.
Molecular consequence: missense variant.
Genome position (GRCh38, 1-based): chr19:4,157,257, T>A. VCF-style: chr19-4157257-T-A. GRCh37 (hg19) VCF-style: chr19-4157254-T-A.
Other names: c.416T>A, p.Val139Glu (NM_001271995.2); c.419T>A, p.Val140Glu (NM_001271996.2, NM_001271997.2); short protein forms V139E, V140E.
Identifiers: ClinVar variation 3699414 (VCV003699414.2).